The following is an entry in ClinVar:

NM_000368.5(TSC1):c.3121A>G (p.Ser1041Gly)

Gene: TSC1 (TSC complex subunit 1; minus strand). Cytogenetic location: 9q34.13.
Variant type: single nucleotide variant.
Coding change: c.3121A>G on transcript NM_000368.5 (MANE Select); coding-DNA position 3121, A replaced by G.
Protein change: p.Ser1041Gly; replaces serine 1041 with glycine.
Molecular consequence: missense variant.
Genome position (GRCh38, 1-based): chr9:132,896,609, T>C on the plus strand (A>G on the coding strand, the complement: TSC1 is on the minus strand). VCF-style: chr9-132896609-T-C. GRCh37 (hg19) VCF-style: chr9-135771996-T-C.
Other names: c.3118A>G, p.Ser1040Gly (NM_001162426.2); c.2968A>G, p.Ser990Gly (NM_001162427.2); c.2758A>G, p.Ser920Gly (NM_001362177.2); short protein forms S1041G, S1040G, S990G, S920G.
Identifiers: ClinVar variation 411238 (VCV000411238.9), dbSNP rs1060503204, ClinGen allele CA16612559.
Genomic context (GRCh38, chr9:132,896,609, plus strand): 5'-TGCTGAATGGGCCTGCCCTCTGGTGTGGGGGTTTCTCTGGGGTAGAAAGCTCGCTGCTGC[T>C]GCTGCTGCTGCCTCCACCACCTCTGCTTCCACTACTGCCCCGGGCGCTGCTGGGCCTGGG-3'
Protein context (NP_000359.1, residues 1031-1051): GSRGGGGSSS[Ser1041Gly]SSELSTPEKP

ClinVar aggregate classification (germline): Uncertain significance (1 of 4 stars; one submission).

Conditions:
Tuberous sclerosis 1 (TSC1). Identifiers: Orphanet 805, MedGen C1854465, MONDO:0008612, OMIM 191100.

Submission:

Labcorp Genetics (formerly Invitae), Labcorp
Classification: Uncertain significance for Tuberous sclerosis 1. Last evaluated: 2021-07-13. Review status: criteria provided, single submitter. Criteria: Invitae Variant Classification Sherloc (09022015). Collection method: clinical testing. Allele origin: germline.
Comment: In summary, this variant is a novel missense change that is not predicted to affect protein function. There is no indication that it causes disease, but the available evidence is currently insufficient to prove that conclusively. Therefore, it has been classified as a Variant of Uncertain Significance. Algorithms developed to predict the effect of missense changes on protein structure and function output the following: (SIFT: "Tolerated"; PolyPhen-2: "Benign"; Align-GVGD: "Class C0"). The glycine amino acid residue is also found in multiple mammalian species, suggesting that this missense change does not adversely affect protein function. These predictions have not been confirmed by published functional studies. This variant is not present in population databases (ExAC no frequency) and has not been reported in the literature in individuals with a TSC1-related disease. This sequence change replaces serine with glycine at codon 1041 of the TSC1 protein (p.Ser1041Gly). The serine residue is highly conserved and there is a small physicochemical difference between serine and glycine.